The following is an entry in ClinVar:

NM_001048174.2(MUTYH):c.1208T>A (p.Leu403His)

Gene: MUTYH (mutY DNA glycosylase; minus strand). Cytogenetic location: 1p34.1.
Variant type: single nucleotide variant.
Coding change: c.1208T>A on transcript NM_001048174.2 (MANE Select); coding-DNA position 1208, T replaced by A.
Protein change: p.Leu403His; replaces leucine 403 with histidine.
Molecular consequence: missense variant. On other transcripts: non-coding transcript variant (2).
Genome position (GRCh38, 1-based): chr1:45,331,451, A>T on the plus strand (T>A on the coding strand, the complement: MUTYH is on the minus strand). VCF-style: chr1-45331451-A-T. GRCh37 (hg19) VCF-style: chr1-45797123-A-T.
Other names: c.1208T>A, p.Leu403His (NM_001048171.2, NM_001048173.2, NM_001293195.2); c.1211T>A, p.Leu404His (NM_001048172.2); c.1292T>A, p.Leu431His (NM_001128425.2); c.1253T>A, p.Leu418His (NM_001293190.2); c.1241T>A, p.Leu414His (NM_001293191.2); c.932T>A, p.Leu311His (NM_001293192.2, NM_001293196.2); c.863T>A, p.Leu288His (NM_001350650.2, NM_001350651.2); c.1283T>A, p.Leu428His (NM_012222.3); short protein forms L311H, L404H, L418H, L428H, L431H, L288H, L403H, L414H.
Identifiers: ClinVar variation 1499336 (VCV001499336.9), dbSNP rs2149118243, ClinGen allele CA340132881.
Genomic context (GRCh38, chr1:45,331,451, plus strand): 5'-CATCCTTGGCTATTCCGCTGCTCACTTACCTCCCCAAGGTGCCGGAGGTGCGTGGCTGGG[A>T]GGGGCCCAGCCCAACGCTGTAGTTCCTGCAGCAGGGCCTTGCGCTGAAGCTGCTCTGAGG-3'
Protein context (NP_001041639.1, residues 393-413): LQELQRWAGP[Leu403His]PATHLRHLGE

ClinVar aggregate classification (germline): Uncertain significance. Review status: criteria provided, multiple submitters, no conflicts (2 of 4 stars). 2 submissions from 2 submitters: Uncertain significance (2). Last evaluated 2023-06-09.

Conditions:
Familial adenomatous polyposis 2. Also called: MYH-associated polyposis; Adenomas, multiple colorectal; COLORECTAL ADENOMATOUS POLYPOSIS, AUTOSOMAL RECESSIVE; ADENOMAS, MULTIPLE COLORECTAL, AUTOSOMAL RECESSIVE; FAP type 2; MUTYH Polyposis. Identifiers: Orphanet 220460, Orphanet 247798, MedGen C3272841, MONDO:0012041, OMIM 608456.

Submissions (2):

Labcorp Genetics (formerly Invitae), Labcorp
Classification: Uncertain significance for Familial adenomatous polyposis 2. Last evaluated: 2023-06-09. Review status: criteria provided, single submitter. Criteria: Invitae Variant Classification Sherloc (09022015). Collection method: clinical testing. Allele origin: germline.
Comment: In summary, the available evidence is currently insufficient to determine the role of this variant in disease. Therefore, it has been classified as a Variant of Uncertain Significance. An algorithm developed to predict the effect of missense changes on protein structure and function (PolyPhen-2) suggests that this variant is likely to be tolerated. ClinVar contains an entry for this variant (Variation ID: 1499336). This variant has not been reported in the literature in individuals affected with MUTYH-related conditions. This variant is not present in population databases (gnomAD no frequency). This sequence change replaces leucine, which is neutral and non-polar, with histidine, which is basic and polar, at codon 431 of the MUTYH protein (p.Leu431His).

All of Us Research Program, National Institutes of Health
Classification: Uncertain significance for Familial adenomatous polyposis 2. Last evaluated: 2023-03-04. Review status: criteria provided, single submitter. Criteria: ACMG Guidelines, 2015. Collection method: clinical testing. Allele origin: germline. Inheritance: Autosomal recessive inheritance. Observed: 1 variant allele, 1 heterozygote.
Comment: This study involves interpretation of variants in research participants for the purpose of population health screening. Participant phenotype was not available at the time of variant classification. Additional details can be found in publication PMID: 35346344, PMCID: PMC8962531